The following is an entry in ClinVar:

NM_058246.4(DNAJB6):c.*306C>T

Gene: DNAJB6 (DnaJ heat shock protein family (Hsp40) member B6; plus strand). Cytogenetic location: 7q36.3.
Variant type: single nucleotide variant.
Coding change: c.*306C>T on transcript NM_058246.4 (MANE Select); 306 bases downstream of the stop codon, C replaced by T.
Molecular consequence: 3 prime UTR variant.
Genome position (GRCh38, 1-based): chr7:157,416,404, C>T. VCF-style: chr7-157416404-C-T. GRCh37 (hg19) VCF-style: chr7-157209098-C-T.
Other names: c.*306C>T (NM_001363676.1).
Identifiers: ClinVar variation 359462 (VCV000359462.6), dbSNP rs576133569, ClinGen allele CA10623555.
Genomic context (GRCh38, chr7:157,416,404, plus strand): 5'-GCTGCATTTTCCTCTAGTGCTTCCGGATCCTCTTCATTCTTTTCGGCTACTCAACCACTC[C>T]GCATGCTGCTGGAATATTTCTGGCTTTAGAAGTACAGGAGGGCGCAGATGGCTAACTGAG-3'

ClinVar aggregate classification (germline): Benign (1 of 4 stars; one submission).

Conditions:
Autosomal dominant limb-girdle muscular dystrophy type 1D (DNAJB6) (LGMDD1). Also called: MUSCULAR DYSTROPHY, LIMB-GIRDLE, TYPE 1D; MUSCULAR DYSTROPHY, AUTOSOMAL DOMINANT, WITH RIMMED VACUOLES; Autosomal dominant limb-girdle muscular dystrophy type 1D; Muscular dystrophy, limb-girdle, autosomal dominant 1. Identifiers: Orphanet 34516, MedGen C4721885, MONDO:0021018, OMIM 603511.

Allele frequency attached by ClinVar (database versions not stated): gnomAD exomes 0.00030; gnomAD 0.00035 and 0.00038; 1000 Genomes Project 0.00040; TOPMed 0.00042; 1000 Genomes Project 30x 0.00047.
gnomAD v4.1: 116 of 352,984 alleles (0.033%); highest among the groups gnomAD compares: African/African-American, 0.1%; 1 homozygote.

Submission:

Illumina Laboratory Services, Illumina
Classification: Benign for Autosomal dominant limb-girdle muscular dystrophy type 1D (DNAJB6). Last evaluated: 2018-01-13. Review status: criteria provided, single submitter. Criteria: ICSL Variant Classification Criteria 13 December 2019. Collection method: clinical testing. Allele origin: germline.
Comment: This variant was observed in the ICSL laboratory as part of a predisposition screen in an ostensibly healthy population. It had not been previously curated by ICSL or reported in the Human Gene Mutation Database (HGMD: prior to June 1st, 2018), and was therefore a candidate for classification through an automated scoring system. Utilizing variant allele frequency, disease prevalence and penetrance estimates, and inheritance mode, an automated score was calculated to assess if this variant is too frequent to cause the disease. Based on the score and internal cut-off values, a variant classified as benign is not then subjected to further curation. The score for this variant resulted in a classification of benign for this disease.